The following is an entry in ClinVar:

NM_001170535.3(ATAD3A):c.340G>A (p.Glu114Lys)

Gene: ATAD3A (ATPase family AAA domain containing 3A; plus strand). Cytogenetic location: 1p36.33.
Variant type: single nucleotide variant.
Coding change: c.340G>A on transcript NM_001170535.3 (MANE Select); coding-DNA position 340, G replaced by A.
Protein change: p.Glu114Lys; replaces glutamic acid 114 with lysine.
Molecular consequence: missense variant.
Genome position (GRCh38, 1-based): chr1:1,517,368, G>A. VCF-style: chr1-1517368-G-A. GRCh37 (hg19) VCF-style: chr1-1452748-G-A.
Other names: c.103G>A, p.Glu35Lys (NM_001170536.3); c.484G>A, p.Glu162Lys (NM_018188.5); short protein forms E114K, E162K, E35K.
Identifiers: ClinVar variation 1328735 (VCV001328735.2), dbSNP rs2100648829, ClinGen allele CA337850265.

ClinVar aggregate classification (germline): Uncertain significance (1 of 4 stars; one submission).

Submission:

GeneDx
Classification: Uncertain significance. Last evaluated: 2021-06-17. Review status: criteria provided, single submitter. Criteria: GeneDx Variant Classification Process June 2021. Collection method: clinical testing. Allele origin: germline. Affected: yes.
Comment: Not observed at significant frequency in large population cohorts (Lek et al., 2016); In silico analysis supports that this missense variant has a deleterious effect on protein structure/function; Has not been previously published as pathogenic or benign to our knowledge; This variant is associated with the following publications: (PMID: 27535533)